The following is an entry in ClinVar:

ClinVar aggregate classification (germline): Uncertain significance. Review status: criteria provided, multiple submitters, no conflicts (2 of 4 stars). 4 submissions from 4 submitters: Uncertain significance (4). Last evaluated 2024-12-19.

Conditions:
Hyper-IgE recurrent infection syndrome 3, autosomal recessive. Also called: HYPER-IgE SYNDROME 3, AUTOSOMAL RECESSIVE, WITH RECURRENT INFECTIONS; Autosomal recessive hyper-IgE syndrome due to ZNF341 deficiency. Identifiers: Orphanet 641368, MedGen C4748969, MONDO:0032654, OMIM 618282.
Inborn genetic diseases. Identifiers: MedGen C0950123, MeSH D030342.

Allele frequency attached by ClinVar (database versions not stated): gnomAD 0.00021 and 0.00017; TOPMed 0.00022; ESP Exome Variant Server 0.00015.
gnomAD v4.1: 43 of 1,613,838 alleles (0.0027%); highest among the groups gnomAD compares: African/African-American, 0.052%; no homozygotes.

Submissions (4):

GeneDx
Classification: Uncertain significance. Last evaluated: 2024-12-19. Review status: criteria provided, single submitter. Criteria: GeneDx Variant Classification Process June 2021. Collection method: clinical testing. Allele origin: germline. Affected: yes.
Comment: In silico analysis indicates that this missense variant does not alter protein structure/function; Has not been previously published as pathogenic or benign to our knowledge

Ambry Genetics
Classification: Uncertain significance for Inborn genetic diseases. Last evaluated: 2022-08-30. Review status: criteria provided, single submitter. Criteria: Ambry Variant Classification Scheme 2023. Collection method: clinical testing. Allele origin: germline.

Labcorp Genetics (formerly Invitae), Labcorp
Classification: Uncertain significance for Combined immunodeficiency due to DOCK8 deficiency. Last evaluated: 2022-03-27. Review status: criteria provided, single submitter. Criteria: Invitae Variant Classification Sherloc (09022015). Collection method: clinical testing. Allele origin: germline.
Comment: In summary, the available evidence is currently insufficient to determine the role of this variant in disease. Therefore, it has been classified as a Variant of Uncertain Significance. Algorithms developed to predict the effect of missense changes on protein structure and function (SIFT, PolyPhen-2, Align-GVGD) all suggest that this variant is likely to be tolerated. ClinVar contains an entry for this variant (Variation ID: 639165). This variant has not been reported in the literature in individuals affected with DOCK8-related conditions. This variant is present in population databases (rs370107163, gnomAD 0.04%). This sequence change replaces glutamic acid, which is acidic and polar, with aspartic acid, which is acidic and polar, at codon 60 of the DOCK8 protein (p.Glu60Asp).

Genetic Services Laboratory, University of Chicago
Classification: Uncertain significance. Last evaluated: 2020-12-31. Review status: criteria provided, single submitter. Criteria: ACMG Guidelines, 2015. Collection method: clinical testing. Allele origin: germline. Affected: no.
Comment: DNA sequence analysis of the DOCK8 gene demonstrated a sequence change, c.180G>T, in exon 3 that results in an amino acid change, p.Glu60Asp. This sequence change does not appear to have been previously described in patients with DOCK8-related disorders and has been described in the gnomAD database with a low population frequency of 0.048% in African subpopulations (dbSNP rs370107163). The p.Glu60Asp change affects a poorly conserved amino acid residue located in a domain of the DOCK8 protein that is not known to be functional. The p.Glu60Asp substitution appears to be benign using several in-silico pathogenicity prediction tools (SIFT, PolyPhen2, Align GVGD, REVEL). Due to these contrasting evidences and the lack of functional studies, the clinical significance of the p.Glu60Asp change remains unknown at this time.

NM_203447.4(DOCK8):c.180G>T (p.Glu60Asp)

Genes: DOCK8 (dedicator of cytokinesis 8; plus strand), LOC126860552 (BRD4-independent group 4 enhancer GRCh37_chr9:285795-286994; plus strand). Cytogenetic location: 9p24.3.
Variant type: single nucleotide variant.
Coding change: c.180G>T on transcript NM_203447.4 (MANE Select); coding-DNA position 180, G replaced by T.
Protein change: p.Glu60Asp; replaces glutamic acid 60 with aspartic acid.
Molecular consequence: missense variant. On other transcripts: 5 prime UTR variant (2).
Genome position (GRCh38, 1-based): chr9:286,484, G>T. VCF-style: chr9-286484-G-T. GRCh37 (hg19) VCF-style: chr9-286484-G-T.
Other names: c.-25G>T (NM_001190458.2, NM_001193536.2); short protein forms E60D.
Identifiers: ClinVar variation 639165 (VCV000639165.12), dbSNP rs370107163, ClinGen allele CA4957131.
Genomic context (GRCh38, chr9:286,484, plus strand): 5'-GGTGAGAACCTCCTTTTCCTTTTCCCTGCCCCTCCAGCCTCAGTTTTATGACCCTGTGGA[G>T]CCAGTGGACTTTGAAGGACTTCTGATGACACACCTGAACAGCCTGGATGTGCAGCTTGCC-3'
Protein context (NP_982272.2, residues 50-70): LQLPQFYDPV[Glu60Asp]PVDFEGLLMT